The following is an entry in ClinVar:

ClinVar aggregate classification (germline): Benign (3 of 4 stars; one submission).

Conditions:
Breast-ovarian cancer, familial, susceptibility to, 1 (BROVCA1). Also called: OVARIAN CANCER, SUSCEPTIBILITY TO; BRCA1 Hereditary Breast and Ovarian Cancer. Identifiers: Orphanet 145, MedGen C2676676, MONDO:0011450, OMIM 604370. Disease mechanism: loss of function.

Allele frequency attached by ClinVar (database versions not stated): gnomAD 0.00403 and 0.00431; 1000 Genomes Project 0.00379; 1000 Genomes Project 30x 0.00422; TOPMed 0.00438.

Submission:

Evidence-based Network for the Interpretation of Germline Mutant Alleles (ENIGMA)
Classification: Benign for Breast-ovarian cancer, familial 1. Last evaluated: 2015-01-12. Review status: reviewed by expert panel. Criteria: ENIGMA BRCA1/2 Classification Criteria (2015). Collection method: curation. Allele origin: germline.
Comment: Class 1 not pathogenic based on frequency >1% in an outbred sampleset. Frequency 0.02 (African), derived from 1000 genomes (2012-04-30).

NM_007294.3(BRCA1):c.*5860C>T

Gene: BRCA1 (BRCA1 DNA repair associated; minus strand). Cytogenetic location: 17q21.31.
Variant type: single nucleotide variant.
Coding change: c.*5860C>T on transcript NM_007294.3; 5860 bases downstream of the stop codon, C replaced by T.
Genome position (GRCh38, 1-based): chr17:43,039,818, G>A on the plus strand (C>T on the coding strand, the complement: BRCA1 is on the minus strand). VCF-style: chr17-43039818-G-A. GRCh37 (hg19) VCF-style: chr17-41191835-G-A.
Other names: 11571 C>T.
Identifiers: ClinVar variation 209220 (VCV000209220.3), dbSNP rs150356989, ClinGen allele CA276196.
Genomic context (GRCh38, chr17:43,039,818, plus strand): 5'-TCTCCAGCTTTCCTTTTCATCTGGCTAAATTTTACTCAAGGCCCAAGGCCCAGCTGAGAT[G>A]CCTCCACCAGAAGTCTCCCACAACAGGCAGAGCCTGGCCCCACCACACGGCCCCAAAAGA-3'